The following is an entry in ClinVar:

NM_003128.3(SPTBN1):c.5802C>G (p.Ile1934Met)

Gene: SPTBN1 (spectrin beta, non-erythrocytic 1; plus strand). Cytogenetic location: 2p16.2.
Variant type: single nucleotide variant.
Coding change: c.5802C>G on transcript NM_003128.3 (MANE Select); coding-DNA position 5802, C replaced by G.
Protein change: p.Ile1934Met; replaces isoleucine 1934 with methionine.
Molecular consequence: missense variant.
Genome position (GRCh38, 1-based): chr2:54,653,833, C>G. VCF-style: chr2-54653833-C-G. GRCh37 (hg19) VCF-style: chr2-54880970-C-G.
Other names: c.5763C>G, p.Ile1921Met (NM_178313.3); short protein forms I1921M, I1934M.
Identifiers: ClinVar variation 3365738 (VCV003365738.1).

ClinVar aggregate classification (germline): Uncertain significance (1 of 4 stars; one submission).

gnomAD v4.1: 3 of 1,612,948 alleles (0.00019%); highest among the groups gnomAD compares: Non-Finnish European, 0.00017%; no homozygotes.

Submission:

GeneDx
Classification: Uncertain significance. Last evaluated: 2023-12-14. Review status: criteria provided, single submitter. Criteria: GeneDx Variant Classification Process June 2021. Collection method: clinical testing. Allele origin: germline. Affected: yes.
Comment: Not observed at significant frequency in large population cohorts (gnomAD); In silico analysis supports that this missense variant does not alter protein structure/function; Has not been previously published as pathogenic or benign to our knowledge